The following is an entry in ClinVar:

ClinVar aggregate classification (germline): Pathogenic/Likely pathogenic. Review status: criteria provided, multiple submitters, no conflicts (2 of 4 stars). 18 submissions from 15 submitters: Pathogenic (14); Likely pathogenic (2). 2 of the submissions do not count toward it. Last evaluated 2026-01-19.

Conditions:
COL7A1-related disorder. Also called: COL7A1-related condition; COL7A1- related disorders.
Epidermolysis bullosa pruriginosa. Also called: DEB, PRURIGINOSA; DYSTROPHIC EPIDERMOLYSIS BULLOSA PRURIGINOSA. Identifiers: Orphanet 89843, MedGen C1275114, MONDO:0011398, OMIM 604129.
Transient bullous dermolysis of the newborn (TBDN). Also called: EPIDERMOLYSIS BULLOSA DYSTROPHICA, NEONATAL FORM; DYSTROPHIC EPIDERMOLYSIS BULLOSA, NEONATAL. Identifiers: Orphanet 79411, MedGen C1851573, MONDO:0007548, OMIM 131705.
Dominant dystrophic epidermolysis bullosa with absence of skin. Also called: EPIDERMOLYSIS BULLOSA WITH CONGENITAL LOCALIZED ABSENCE OF SKIN AND DEFORMITY OF NAILS; EPIDERMOLYSIS BULLOSA DYSTROPHICA, BART TYPE. Identifiers: MedGen C0268371, MONDO:0007557, OMIM 132000.
Generalized dominant dystrophic epidermolysis bullosa (DDEB). Also called: DDEB, generalized; DDEB-gen; DYSTROPHIC EPIDERMOLYSIS BULLOSA, AUTOSOMAL DOMINANT; Epidermolysis bullosa dystrophica, autosomal dominant; Dominant DEB (DDEB). Identifiers: Orphanet 231568, MedGen C0432322, MONDO:0007549, OMIM 131750.
Nonsyndromic congenital nail disorder 8. Also called: TOENAIL DYSTROPHY, ISOLATED. Identifiers: MedGen C1843761, MONDO:0011852, OMIM 607523.
Pretibial dystrophic epidermolysis bullosa. Also called: EPIDERMOLYSIS BULLOSA DYSTROPHICA, PRETIBIAL; Pretibial blistering; Pretibial epidermolysis bullosa. Identifiers: Orphanet 79410, MedGen C0432321, MONDO:0007552, OMIM 131850, HP:0012221.
Recessive dystrophic epidermolysis bullosa (RDEB). Also called: severe generalized recessive dystrophic epidermolysis bullosa; Epidermolysis Bullosa Distrophica Autosomal Recessive (RDEB); EPIDERMOLYSIS BULLOSA DYSTROPHICA, GENERALIZED SEVERE, AUTOSOMAL RECESSIVE; DYSTROPHIC EPIDERMOLYSIS BULLOSA, AUTOSOMAL RECESSIVE; EPIDERMOLYSIS BULLOSA DYSTROPHICA, HALLOPEAU-SIEMENS TYPE; epidermolysis bullosa dystrophica, autosomal recessive. Identifiers: Orphanet 79408, Orphanet 79409, MedGen C0079474, MONDO:0009179, OMIM 226600.
Epidermolysis bullosa dystrophica. Also called: Dystrophic epidermolysis bullosa; Dystrophic epidermolysis bullosa, Hallopeau-Siemens type (formerly). Identifiers: Orphanet 303, MedGen C0079294, MONDO:0006543.
Epidermolysis bullosa dystrophica inversa, autosomal recessive. Identifiers: MedGen C2673612.
Abnormal blistering of the skin. Identifiers: MedGen C2132198, HP:0008066.
Alopecia of scalp. Identifiers: MedGen C0574769, HP:0002293.
Short stature. Identifiers: MedGen C0349588, HP:0004322.
Scarring. Identifiers: MedGen C0008767, HP:0100699.
Distal muscle weakness. Identifiers: MedGen C0427065, HP:0002460.
Microcephaly. Also called: Microcephaly (disease). Identifiers: MedGen C4551563, MONDO:0001149, HP:0000252.
Abnormality of the dentition. Also called: Dental anomalies. Identifiers: MedGen C0262444, HP:0000164.
Failure to thrive. Also called: Pediatric failure to thrive. Identifiers: MedGen C2315100, HP:0001508.
Nail dystrophy. Identifiers: MedGen C0221260, HP:0008404.
Hyperpigmentation of the skin. Also called: Hyperpigmentation. Identifiers: Orphanet 79375, MedGen C0162834, MONDO:0019289, HP:0000953.
Scarring alopecia of scalp. Identifiers: MedGen C3806301, HP:0004552.
EMG abnormality. Identifiers: MedGen C0476403, HP:0003457.
Abnormal dental enamel morphology. Also called: Abnormality of dental enamel. Identifiers: MedGen C4021800, HP:0000682.
Decreased body weight. Identifiers: MedGen C5574742, HP:0004325.

Allele frequency attached by ClinVar (database versions not stated): ExAC 0.00002; gnomAD exomes 0.00003 and 0.00002; gnomAD 0.00001; TOPMed 0.00003.
gnomAD v4.1: 41 of 1,613,918 alleles (0.0025%); highest among the groups gnomAD compares: South Asian, 0.0033%; no homozygotes.

Submissions 1 to 8 of 18:

Labcorp Genetics (formerly Invitae), Labcorp
Classification: Pathogenic. Last evaluated: 2026-01-19. Review status: criteria provided, single submitter. Criteria: Invitae Variant Classification Sherloc (09022015). Collection method: clinical testing. Allele origin: germline.
Comment: This sequence change replaces arginine, which is basic and polar, with cysteine, which is neutral and slightly polar, at codon 2069 of the COL7A1 protein (p.Arg2069Cys). This variant is present in population databases (rs121912855, gnomAD 0.004%). This missense change has been observed in individual(s) with autosomal recessive dystrophic epidermolysis bullosa (PMID: 12787275, 22266148, 28830826). In at least one individual the data is consistent with being in trans (on the opposite chromosome) from a pathogenic variant. It has also been observed to segregate with disease in related individuals. ClinVar contains an entry for this variant (Variation ID: 17463). Invitae Evidence Modeling of protein sequence and biophysical properties (such as structural, functional, and spatial information, amino acid conservation, physicochemical variation, residue mobility, and thermodynamic stability) indicates that this missense variant is not expected to disrupt COL7A1 protein function with a negative predictive value of 95%. For these reasons, this variant has been classified as Pathogenic.

Natera, Inc.
Classification: Pathogenic for Dystrophic epidermolysis bullosa. Last evaluated: 2025-01-08. Review status: criteria provided, single submitter. Criteria: Natera Variant Classification Schema (03/2026). Collection method: clinical testing. Allele origin: germline.
Comment: The c.6205C>T variant in COL7A1 is a missense variant predicted to cause substitution of arginine to cysteine at amino acid 2069. This variant is rare in the general population with a frequency below the threshold expected for the associated phenotype(s). This variant has been observed in one or more individuals affected with the associated recessive disease, as either homozygous or compound heterozygous with a second variant (PMID: 36287101). Given the available evidence, this variant is classified as Pathogenic.

Women's Health and Genetics/Laboratory Corporation of America, LabCorp
Classification: Pathogenic for Dystrophic Epidermolysis Bullosa, Recessive. Last evaluated: 2024-09-30. Review status: criteria provided, single submitter. Criteria: LabCorp Variant Classification Summary - May 2015. Collection method: clinical testing. Allele origin: germline.
Comment: Variant summary: COL7A1 c.6205C>T (p.Arg2069Cys) results in a non-conservative amino acid change in the encoded protein sequence. Four of five in-silico tools predict a damaging effect of the variant on protein function. The variant allele was found at a frequency of 2e-05 in 251386 control chromosomes. c.6205C>T has been reported in the literature in multiple individuals affected with autosomal recessive Dystrophic Epidermolysis Bullosa (e.g. Kahofer_2003, Chen_2023). These data indicate that the variant is very likely to be associated with disease. The following publications have been ascertained in the context of this evaluation (PMID: 12787275, 36287101). ClinVar contains an entry for this variant (Variation ID: 17463). Based on the evidence outlined above, the variant was classified as pathogenic.

Blueprint Genetics
Classification: Pathogenic for COL7A1-related disorders. Last evaluated: 2024-04-03. Review status: criteria provided, single submitter. Criteria: ACMG Guidelines, 2015. Collection method: clinical testing. Allele origin: germline. Affected: yes. Observed: 5 variant alleles.

GeneDx
Classification: Pathogenic. Last evaluated: 2023-10-04. Review status: criteria provided, single submitter. Criteria: GeneDx Variant Classification Process June 2021. Collection method: clinical testing. Allele origin: germline. Affected: yes.
Comment: Reported as heterozygous in two affected individuals without another COL7A1 variant; however, studies were not comprehensive and did not exclude other variants/molecular causes (Hamidi et al., 2016; Danescu et al., 2015); Not observed at significant frequency in large population cohorts (gnomAD); In silico analysis supports that this missense variant does not alter protein structure/function; This variant is associated with the following publications: (PMID: 18558993, 32860008, 31589614, 32484238, 16484981, 20598510, 25201089, 26707537, 28830826, 27746867, 31001817, 34286919, 34308104, 22266148, 34826142, 19665875, 12787275, 34674926)

Neuberg Centre For Genomic Medicine, NCGM
Classification: Pathogenic for Epidermolysis bullosa pruriginosa. Last evaluated: 2023-06-02. Review status: criteria provided, single submitter. Criteria: ACMG Guidelines, 2015. Collection method: clinical testing. Allele origin: germline. Inheritance: Autosomal recessive inheritance. Affected: yes.
Comment: The observed missense variant c.6205C>T(p.Arg2069Cys) in COL7A1 gene has been reported previously in homozygous and compound heterozygous state in individual(s) with dystrophic epidermolysis bullosa (Hamidi AK, et al., 2016; Liao Y, et al., 2018; ). This variant is present in a mutational hotspot. A different amino acid change (c.6206G>A, p.Arg2069His) has been previously reported as a Likely pathogenic in the ClinVar database.This variant is reported with the allele frequency 0.002% in the gnomAD Exomes. This variant has been reported to the ClinVar database as Pathogenic/Likely Pathogenic by multiple submitters. The amino acid Arg at position 2069 is changed to a Cys changing protein sequence and it might alter its composition and physico-chemical properties. Multiple lines of computational evidence (Polyphen - Possibly damaging, SIFT – Damaging and MutationTaster - Disease causing) predict a damaging effect on protein structure and function for this variant. The residue is conserved by GERP++ and PhyloP across 100 vertebrates. For these reasons, this variant has been classified as Pathogenic.

Department of Human Genetics, Hannover Medical School
Classification: Likely pathogenic for Recessive dystrophic epidermolysis bullosa. Last evaluated: 2022-07-27. Review status: criteria provided, single submitter. Criteria: ACMG Guidelines, 2015. Collection method: clinical testing. Allele origin: germline. Inheritance: Autosomal recessive inheritance. Affected: yes.

Center for Research in Genodermatoses and Epidermolysis Bullosa, University of Buenos Aires
Classification: Pathogenic for Recessive dystrophic epidermolysis bullosa. Last evaluated: 2022-03-14. Review status: criteria provided, single submitter. Criteria: ACMG Guidelines, 2015. Collection method: clinical testing. Allele origin: paternal. Affected: yes. Observed: 1 variant allele, 1 compound heterozygote.

NM_000094.4(COL7A1):c.6205C>T (p.Arg2069Cys)

Gene: COL7A1 (collagen type VII alpha 1 chain; minus strand). Cytogenetic location: 3p21.31.
Variant type: single nucleotide variant.
Coding change: c.6205C>T on transcript NM_000094.4 (MANE Select); coding-DNA position 6205, C replaced by T.
Protein change: p.Arg2069Cys; replaces arginine 2069 with cysteine.
Molecular consequence: missense variant.
Genome position (GRCh38, 1-based): chr3:48,575,218, G>A on the plus strand (C>T on the coding strand, the complement: COL7A1 is on the minus strand). VCF-style: chr3-48575218-G-A. GRCh37 (hg19) VCF-style: chr3-48612651-G-A.
Other names: short protein forms R2069C.
Identifiers: ClinVar variation 17463 (VCV000017463.52), dbSNP rs121912855, ClinGen allele CA127208.